The following is an entry in ClinVar:

ClinVar aggregate classification (germline): Uncertain significance (1 of 4 stars; one submission).

Allele frequency attached by ClinVar (database versions not stated): gnomAD exomes below 0.00001 and 0.00001; ExAC 0.00001; gnomAD 0.00001; TOPMed 0.00001.

Submission:

GeneDx
Classification: Uncertain significance. Last evaluated: 2022-01-27. Review status: criteria provided, single submitter. Criteria: GeneDx Variant Classification Process June 2021. Collection method: clinical testing. Allele origin: germline. Affected: yes.
Comment: In silico analysis supports that this missense variant has a deleterious effect on protein structure/function; This variant is associated with the following publications: (PMID: 26419238)

NM_139125.4(MASP1):c.1657G>A (p.Asp553Asn)

Gene: MASP1 (MBL associated serine protease 1; minus strand). Cytogenetic location: 3q27.3.
Variant type: single nucleotide variant.
Coding change: c.1657G>A on transcript NM_139125.4 (MANE Select); coding-DNA position 1657, G replaced by A.
Protein change: p.Asp553Asn; replaces aspartic acid 553 with asparagine.
Molecular consequence: missense variant. On other transcripts: non-coding transcript variant (1), intron variant (1).
Genome position (GRCh38, 1-based): chr3:187,236,214, C>T on the plus strand (G>A on the coding strand, the complement: MASP1 is on the minus strand). VCF-style: chr3-187236214-C-T. GRCh37 (hg19) VCF-style: chr3-186954002-C-T.
Other names: c.1303+5267G>A (NM_001879.6); short protein forms D553N.
Identifiers: ClinVar variation 1320836 (VCV001320836.3), dbSNP rs779329363, ClinGen allele CA2749214.